The following is an entry in ClinVar:

ClinVar aggregate classification (germline): Uncertain significance (1 of 4 stars; one submission).

Conditions:
Hereditary cancer-predisposing syndrome. Also called: Neoplastic Syndromes, Hereditary; Hereditary Cancer Syndrome; Tumor predisposition; Hereditary neoplastic syndrome. Identifiers: Orphanet 140162, MedGen C0027672, MeSH D009386, MONDO:0015356.

Submission:

Ambry Genetics
Classification: Uncertain significance for Hereditary cancer-predisposing syndrome. Last evaluated: 2022-11-17. Review status: criteria provided, single submitter. Criteria: Ambry Variant Classification Scheme 2023. Collection method: clinical testing. Allele origin: germline.
Comment: The p.M17R variant (also known as c.50T>G), located in coding exon 1 of the DICER1 gene, results from a T to G substitution at nucleotide position 50. The methionine at codon 17 is replaced by arginine, an amino acid with similar properties. This amino acid position is conserved. In addition, the in silico prediction for this alteration is inconclusive. Since supporting evidence is limited at this time, the clinical significance of this alteration remains unclear.

NM_177438.3(DICER1):c.50T>G (p.Met17Arg)

Gene: DICER1 (dicer 1, ribonuclease III; minus strand). Cytogenetic location: 14q32.13.
Variant type: single nucleotide variant.
Coding change: c.50T>G on transcript NM_177438.3 (MANE Select); coding-DNA position 50, T replaced by G.
Protein change: p.Met17Arg; replaces methionine 17 with arginine.
Molecular consequence: missense variant. On other transcripts: 5 prime UTR variant (8), non-coding transcript variant (6), intron variant (1).
Genome position (GRCh38, 1-based): chr14:95,133,409, A>C on the plus strand (T>G on the coding strand, the complement: DICER1 is on the minus strand). VCF-style: chr14-95133409-A-C. GRCh37 (hg19) VCF-style: chr14-95599746-A-C.
Other names: c.50T>G, p.Met17Arg (NM_001195573.1, NM_001271282.3, NM_001291628.2 and 15 more transcripts); c.-225T>G (NM_001395686.1, NM_001395688.1, NM_001395689.1 and 3 more transcripts); c.-409T>G (NM_001395691.1); c.-1519T>G (NM_001395697.1); c.-130-732T>G (NM_001395687.1); short protein forms M17R.
Identifiers: ClinVar variation 2447028 (VCV002447028.2), dbSNP rs2543389016, ClinGen allele CA390890678.